The following is an entry in ClinVar:

ClinVar aggregate classification (germline): Conflicting classifications of pathogenicity. Review status: criteria provided, conflicting classifications (1 of 4 stars). 2 submissions from 2 submitters: Likely pathogenic (1); Uncertain significance (1). Last evaluated 2021-11-30.

Conditions:
Deafness-lymphedema-leukemia syndrome. Also called: Lymphedema, primary, with myelodysplasia; Emberger syndrome. Identifiers: Orphanet 3226, MedGen C3279664, MONDO:0013540, OMIM 614038.
Monocytopenia with susceptibility to infections. Also called: MONOCYTOPENIA AND MYCOBACTERIAL INFECTION SYNDROME; MONOCYTOPENIA WITH SUSCEPTIBILITY TO MYCOBACTERIAL, FUNGAL, AND PAPILLOMAVIRUS INFECTIONS AND MYELODYSPLASIA; COMBINED IMMUNODEFICIENCY WITH SUSCEPTIBILITY TO MYCOBACTERIAL, VIRAL, AND FUNGAL INFECTIONS; IMMUNODEFICIENCY 21; Dendritic cell, monocyte, B lymphocyte, and natural killer lymphocyte deficiency; GATA2 DEFICIENCY. Identifiers: Orphanet 228423, MedGen C3280030, MONDO:0013607, OMIM 614172.

Submissions (2):

Labcorp Genetics (formerly Invitae), Labcorp
Classification: Uncertain significance for Monocytopenia with susceptibility to infections; Deafness-lymphedema-leukemia syndrome. Last evaluated: 2021-11-30. Review status: criteria provided, single submitter. Criteria: Invitae Variant Classification Sherloc (09022015). Collection method: clinical testing. Allele origin: germline.
Comment: In summary, the available evidence is currently insufficient to determine the role of this variant in disease. Therefore, it has been classified as a Variant of Uncertain Significance. Advanced modeling of protein sequence and biophysical properties (such as structural, functional, and spatial information, amino acid conservation, physicochemical variation, residue mobility, and thermodynamic stability) performed at Invitae indicates that this missense variant is expected to disrupt GATA2 protein function. ClinVar contains an entry for this variant (Variation ID: 574759). This missense change has been observed in individual(s) with clinical features of GATA2-related conditions (PMID: 32497548; Invitae). This variant is not present in population databases (gnomAD no frequency). This sequence change replaces glycine, which is neutral and non-polar, with aspartic acid, which is acidic and polar, at codon 374 of the GATA2 protein (p.Gly374Asp).

Mayo Clinic Laboratories, Mayo Clinic
Classification: Likely pathogenic. Last evaluated: 2019-07-07. Review status: criteria provided, single submitter. Criteria: ACMG Guidelines, 2015. Collection method: clinical testing. Allele origin: germline. Observed: 1 variant allele.
Comment: PM1, PM2, PP3. PP4

Literature cited by the submitters: PubMed 32497548 (cited by Labcorp Genetics (formerly Invitae), Labcorp).

NM_032638.5(GATA2):c.1121G>A (p.Gly374Asp)

Gene: GATA2 (GATA binding protein 2; minus strand). Cytogenetic location: 3q21.3.
Variant type: single nucleotide variant.
Coding change: c.1121G>A on transcript NM_032638.5 (MANE Select); coding-DNA position 1121, G replaced by A.
Protein change: p.Gly374Asp; replaces glycine 374 with aspartic acid.
Molecular consequence: missense variant.
Genome position (GRCh38, 1-based): chr3:128,481,841, C>T on the plus strand (G>A on the coding strand, the complement: GATA2 is on the minus strand). VCF-style: chr3-128481841-C-T. GRCh37 (hg19) VCF-style: chr3-128200684-C-T.
Other names: c.1121G>A, p.Gly374Asp (NM_001145661.2); c.1079G>A, p.Gly360Asp (NM_001145662.1); short protein forms G374D, G360D.
Identifiers: ClinVar variation 574759 (VCV000574759.11), dbSNP rs1559985057, ClinGen allele CA354413496.